The following is an entry in ClinVar:

NM_001966.4(EHHADH):c.46C>T (p.Leu16Phe)

Gene: EHHADH (enoyl-CoA hydratase and 3-hydroxyacyl CoA dehydrogenase; minus strand). Cytogenetic location: 3q27.2.
Variant type: single nucleotide variant.
Coding change: c.46C>T on transcript NM_001966.4 (MANE Select); coding-DNA position 46, C replaced by T.
Protein change: p.Leu16Phe; replaces leucine 16 with phenylalanine.
Molecular consequence: missense variant. On other transcripts: 5 prime UTR variant (1).
Genome position (GRCh38, 1-based): chr3:185,253,977, G>A on the plus strand (C>T on the coding strand, the complement: EHHADH is on the minus strand). VCF-style: chr3-185253977-G-A. GRCh37 (hg19) VCF-style: chr3-184971765-G-A.
Other names: c.-366C>T (NM_001166415.2); c.46C>T (NM_001966.3); short protein forms L16F.
Identifiers: ClinVar variation 598519 (VCV000598519.9), dbSNP rs375593577, ClinGen allele CA2739358.

ClinVar aggregate classification (germline): Uncertain significance. Review status: criteria provided, multiple submitters, no conflicts (2 of 4 stars). 3 submissions from 3 submitters: Uncertain significance (3). Last evaluated 2026-03-13.

Conditions:
EHHADH-related disorder. Also called: EHHADH-related condition.

Allele frequency attached by ClinVar (database versions not stated): ExAC 0.00003; gnomAD exomes 0.00004; TOPMed 0.00004; gnomAD 0.00005; ESP Exome Variant Server 0.00015.
gnomAD v4.1: 73 of 1,613,898 alleles (0.0045%); highest among the groups gnomAD compares: Non-Finnish European, 0.0058%; no homozygotes.

Submissions (3):

PreventionGenetics, part of Exact Sciences
Classification: Uncertain significance for EHHADH-related condition. Last evaluated: 2026-03-13. Review status: criteria provided, single submitter. Criteria: ACMG Guidelines, 2015. Collection method: clinical testing. Allele origin: germline.
Comment: The EHHADH c.46C>T variant is predicted to result in the amino acid substitution p.Leu16Phe. To our knowledge, this variant has not been reported in the literature. This variant is reported in 0.0085% of alleles in individuals of European (Non-Finnish) descent in gnomAD. Although we suspect that this variant may be benign, at this time, the clinical significance of this variant is uncertain due to the absence of conclusive functional and genetic evidence.

Ambry Genetics
Classification: Uncertain significance. Last evaluated: 2024-07-02. Review status: criteria provided, single submitter. Criteria: Ambry Variant Classification Scheme 2023. Collection method: clinical testing. Allele origin: germline.

Eurofins Ntd Llc (ga)
Classification: Uncertain significance. Last evaluated: 2018-08-23. Review status: criteria provided, single submitter. Criteria: EGL ClinVar v180209 classification definitions. Collection method: clinical testing. Allele origin: germline. Observed: 1 variant allele, 1 heterozygote.